The following is an entry in ClinVar:

ClinVar aggregate classification (germline): Uncertain significance. Review status: criteria provided, multiple submitters, no conflicts (2 of 4 stars). 2 submissions from 2 submitters: Uncertain significance (2). Last evaluated 2026-08-18.

Conditions:
Inborn genetic diseases. Identifiers: MedGen C0950123, MeSH D030342.

gnomAD v4.1: 12 of 1,614,194 alleles (0.00074%); highest among the groups gnomAD compares: East Asian, 0.0022%; no homozygotes.

Submissions (2):

Ambry Genetics
Classification: Uncertain significance for Inborn genetic diseases. Last evaluated: 2026-08-18. Review status: criteria provided, single submitter. Criteria: Ambry Variant Classification Scheme 2023. Collection method: clinical testing. Allele origin: germline.

Women's Health and Genetics/Laboratory Corporation of America, LabCorp
Classification: Uncertain significance. Last evaluated: 2025-03-12. Review status: criteria provided, single submitter. Criteria: LabCorp Variant Classification Summary - May 2015. Collection method: clinical testing. Allele origin: germline.
Comment: Variant summary: LAMB1 c.3509C>T (p.Ser1170Leu) results in a non-conservative amino acid change in the encoded protein sequence. Three of five in-silico tools predict a damaging effect of the variant on protein function. The variant allele was found at a frequency of 1.6e-05 in 251432 control chromosomes. The available data on variant occurrences in the general population are insufficient to allow any conclusion about variant significance. To our knowledge, no occurrence of c.3509C>T in individuals affected with Lissencephaly 5 and no experimental evidence demonstrating its impact on protein function have been reported. No submitters have cited clinical-significance assessments for this variant to ClinVar. Based on the evidence outlined above, the variant was classified as uncertain significance.

NM_002291.3(LAMB1):c.3509C>T (p.Ser1170Leu)

Gene: LAMB1 (laminin subunit beta 1; minus strand). Cytogenetic location: 7q31.1.
Variant type: single nucleotide variant.
Coding change: c.3509C>T on transcript NM_002291.3 (MANE Select); coding-DNA position 3509, C replaced by T.
Protein change: p.Ser1170Leu; replaces serine 1170 with leucine.
Molecular consequence: missense variant.
Genome position (GRCh38, 1-based): chr7:107,940,241, G>A on the plus strand (C>T on the coding strand, the complement: LAMB1 is on the minus strand). VCF-style: chr7-107940241-G-A. GRCh37 (hg19) VCF-style: chr7-107580686-G-A.
Other names: c.3509C>T (NM_002291.2); short protein forms S1170L.
Identifiers: ClinVar variation 3895688 (VCV003895688.2).
Genomic context (GRCh38, chr7:107,940,241, plus strand): 5'-ATGATCACATCCCAGAGAGCAAAGCACTGGTGGCAGGGTGTGCAGTCAGGGAAGACCCCC[G>A]AGTACCCTCGCGTGCACTTGTCACAGCGTGGACCCTCAACACCCTCAACGCAGACACACT-3'
Protein context (NP_002282.2, residues 1160-1180): PRCDKCTRGY[Ser1170Leu]GVFPDCTPCH